The following is an entry in ClinVar:

NM_020366.4(RPGRIP1):c.1867C>T (p.Gln623Ter)

Gene: RPGRIP1 (RPGR interacting protein 1; plus strand). Cytogenetic location: 14q11.2.
Variant type: single nucleotide variant.
Coding change: c.1867C>T on transcript NM_020366.4 (MANE Select); coding-DNA position 1867, C replaced by T.
Protein change: p.Gln623Ter; replaces glutamine 623 with a stop codon.
Molecular consequence: nonsense. On other transcripts: intron variant (3).
Genome position (GRCh38, 1-based): chr14:21,324,722, C>T. VCF-style: chr14-21324722-C-T. GRCh37 (hg19) VCF-style: chr14-21792881-C-T.
Other names: c.793C>T, p.Gln265Ter (NM_001377948.1, NM_001377949.1); c.688+2718C>T (NM_001377523.1, NM_001377950.1); c.190+2718C>T (NM_001377951.1); short protein forms Q623*, Q265*.
Identifiers: ClinVar variation 1387428 (VCV001387428.8), dbSNP rs772090790, ClinGen allele CA388867065.

ClinVar aggregate classification (germline): Pathogenic/Likely pathogenic. Review status: criteria provided, multiple submitters, no conflicts (2 of 4 stars). 2 submissions from 2 submitters: Pathogenic (1); Likely pathogenic (1). Last evaluated 2026-03-04.

Conditions:
Cone-rod dystrophy 13 (CORD13). Identifiers: Orphanet 1872, MedGen C2750720, MONDO:0011987, OMIM 608194.
Leber congenital amaurosis 6 (LCA6). Identifiers: Orphanet 65, MedGen C1854260, MONDO:0013446, OMIM 613826.

Submissions (2):

Dasa
Classification: Likely pathogenic. Last evaluated: 2026-03-04. Review status: criteria provided, single submitter. Criteria: DASA Assertion Criteria. Collection method: clinical testing. Allele origin: germline.
Comment: NM_020366.4(RPGRIP1):c.1867C>T (p.Gln623*) is a nonsense variant in RPGRIP1 predicted to introduce a premature termination codon and is predicted to result in an absent or altered protein product. Loss of function is an established disease mechanism for RPGRIP1-associated disorders. Also, this variant is absent from population databases. Based on the currently available evidence, this variant is classified as likely pathogenic.

Labcorp Genetics (formerly Invitae), Labcorp
Classification: Pathogenic for Leber congenital amaurosis 6; Cone-rod dystrophy 13. Last evaluated: 2022-09-09. Review status: criteria provided, single submitter. Criteria: Invitae Variant Classification Sherloc (09022015). Collection method: clinical testing. Allele origin: germline.
Comment: This variant is not present in population databases (gnomAD no frequency). This sequence change creates a premature translational stop signal (p.Gln623*) in the RPGRIP1 gene. It is expected to result in an absent or disrupted protein product. Loss-of-function variants in RPGRIP1 are known to be pathogenic (PMID: 11528500, 23105016). This variant has not been reported in the literature in individuals affected with RPGRIP1-related conditions. For these reasons, this variant has been classified as Pathogenic. ClinVar contains an entry for this variant (Variation ID: 1387428).

Literature cited by the submitters: PubMed 11528500 (cited by Labcorp Genetics (formerly Invitae), Labcorp); PubMed 23105016 (cited by Labcorp Genetics (formerly Invitae), Labcorp).